The following is an entry in ClinVar:

NM_004341.5(CAD):c.2944G>A (p.Asp982Asn)

Gene: CAD (carbamoyl-phosphate synthetase 2, aspartate transcarbamylase, and dihydroorotase; plus strand). Cytogenetic location: 2p23.3.
Variant type: single nucleotide variant.
Coding change: c.2944G>A on transcript NM_004341.5 (MANE Select); coding-DNA position 2944, G replaced by A.
Protein change: p.Asp982Asn; replaces aspartic acid 982 with asparagine.
Molecular consequence: missense variant.
Genome position (GRCh38, 1-based): chr2:27,233,093, G>A. VCF-style: chr2-27233093-G-A. GRCh37 (hg19) VCF-style: chr2-27455961-G-A.
Other names: c.2755G>A, p.Asp919Asn (NM_001306079.2); short protein forms D919N, D982N.
Identifiers: ClinVar variation 1946766 (VCV001946766.3), dbSNP rs1259923836, ClinGen allele CA346213316.

ClinVar aggregate classification (germline): Uncertain significance. Review status: criteria provided, multiple submitters, no conflicts (2 of 4 stars). 2 submissions from 2 submitters: Uncertain significance (2). Last evaluated 2026-02-18.

Allele frequency attached by ClinVar (database versions not stated): TOPMed 0.00001; gnomAD exomes below 0.00001; gnomAD 0.00001.
gnomAD v4.1: 6 of 1,613,726 alleles (0.00037%); highest among the groups gnomAD compares: Admixed American, 0.0017%; no homozygotes.

Submissions (2):

Women's Health and Genetics/Laboratory Corporation of America, LabCorp
Classification: Uncertain significance. Last evaluated: 2026-02-18. Review status: criteria provided, single submitter. Criteria: LabCorp Variant Classification Summary - May 2015. Collection method: clinical testing. Allele origin: germline.
Comment: Variant summary: CAD c.2944G>A (p.Asp982Asn) results in a conservative amino acid change in the encoded protein sequence. Algorithms developed to predict the effect of missense changes on protein structure and function are either unavailable or do not agree on the potential impact of this missense change. The variant was absent in 251394 control chromosomes. c.2944G>A has been observed in at least 2 individual(s) affected with Early Infantile Epileptic Encephalopathy, 50 (example, Silva_2024, Zhao_2022, Zhou_2020). These data indicate that the variant may be associated with disease. To our knowledge, no experimental evidence demonstrating an impact on protein function has been reported. The following publications have been ascertained in the context of this evaluation (PMID: 38641466, 35242569, 35217970, 33364968). ClinVar contains an entry for this variant (Variation ID: 1946766). Based on the evidence outlined above, the variant was classified as VUS-possibly pathogenic.

Labcorp Genetics (formerly Invitae), Labcorp
Classification: Uncertain significance. Last evaluated: 2022-05-29. Review status: criteria provided, single submitter. Criteria: Invitae Variant Classification Sherloc (09022015). Collection method: clinical testing. Allele origin: germline.
Comment: This sequence change replaces aspartic acid, which is acidic and polar, with asparagine, which is neutral and polar, at codon 982 of the CAD protein (p.Asp982Asn). This variant is not present in population databases (gnomAD no frequency). This variant has not been reported in the literature in individuals affected with CAD-related conditions. Algorithms developed to predict the effect of missense changes on protein structure and function are either unavailable or do not agree on the potential impact of this missense change (SIFT: "Deleterious"; PolyPhen-2: "Probably Damaging"; Align-GVGD: "Class C0"). In summary, the available evidence is currently insufficient to determine the role of this variant in disease. Therefore, it has been classified as a Variant of Uncertain Significance.

Literature cited by the submitters: PubMed 35217970 (cited by Women's Health and Genetics/Laboratory Corporation of America, LabCorp); PubMed 38641466 (cited by Women's Health and Genetics/Laboratory Corporation of America, LabCorp); PubMed 35242569 (cited by Women's Health and Genetics/Laboratory Corporation of America, LabCorp); PubMed 33364968 (cited by Women's Health and Genetics/Laboratory Corporation of America, LabCorp).